The following is an entry in ClinVar:

ClinVar aggregate classification (germline): Pathogenic. Review status: reviewed by expert panel (3 of 4 stars). 2 submissions from 2 submitters: Pathogenic (1). 1 of the submissions does not count toward it. Last evaluated 2017-12-15.

Conditions:
Hereditary cancer-predisposing syndrome. Also called: Neoplastic Syndromes, Hereditary; Hereditary neoplastic syndrome; Tumor predisposition; Hereditary Cancer Syndrome. Identifiers: Orphanet 140162, MedGen C0027672, MeSH D009386, MONDO:0015356.
Breast-ovarian cancer, familial, susceptibility to, 2 (BROVCA2). Also called: BRCA2 Hereditary Breast and Ovarian Cancer. Identifiers: Orphanet 145, MedGen C2675520, MONDO:0012933, OMIM 612555. Disease mechanism: loss of function.

Submissions (2):

Evidence-based Network for the Interpretation of Germline Mutant Alleles (ENIGMA)
Classification: Pathogenic for Breast-ovarian cancer, familial, susceptibility to, 2. Last evaluated: 2017-12-15. Review status: reviewed by expert panel. Criteria: ENIGMA BRCA1/2 Classification Criteria (2017-06-29). Collection method: curation. Allele origin: germline. Study: ENIGMA.
Comment: Variant allele predicted to encode a truncated non-functional protein.

Color Diagnostics, LLC DBA Color Health
Classification: Pathogenic for Hereditary cancer-predisposing syndrome. Last evaluated: 2020-06-01. Review status: criteria provided, single submitter. Criteria: ACMG Guidelines, 2015. Collection method: clinical testing. Allele origin: germline. Not counted in ClinVar's aggregate classification.
Comment: This variant deletes 4 nucleotides in exon 3 of the BRCA2 gene, creating a frameshift and premature translation stop signal. This variant is expected to result in an absent or non-functional protein product. To our knowledge, this variant has not been reported in individuals affected with hereditary cancer in the literature. This variant has not been identified in the general population by the Genome Aggregation Database (gnomAD). Loss of BRCA2 function is a known mechanism of disease. Based on the available evidence, this variant is classified as Pathogenic.

NM_000059.4(BRCA2):c.106_109del (p.Ser36fs)

Gene: BRCA2 (BRCA2 DNA repair associated; plus strand). Cytogenetic location: 13q13.1.
Variant type: Deletion.
Coding change: c.106_109del on transcript NM_000059.4 (MANE Select); coding-DNA positions 106 to 109, 4 bases deleted (TCTT; older notation c.106_109delTCTT).
Protein change: p.Ser36fs; shifts the reading frame from serine 36.
Molecular consequence: frameshift variant.
Genome position (GRCh38, 1-based): chr13:32,319,115-32,319,118, TCTT deleted; deleting any 4 consecutive bases within chr13:32,319,112-32,319,118 gives the same sequence; the c. name uses the placement nearest the transcript's 3' end. VCF-style (leftmost placement, unchanged base first): chr13-32319111-ACTTT-A. GRCh37 (hg19) VCF-style: chr13-32893248-ACTTT-A.
Other names: c.106_109delTCTT (NM_000059.3); short protein forms S36fs.
Identifiers: ClinVar variation 548439 (VCV000548439.4), dbSNP rs1555280340, ClinGen allele CA658823589.